The following is an entry in ClinVar:

NM_007294.4(BRCA1):c.1751C>T (p.Ala584Val)

Gene: BRCA1 (BRCA1 DNA repair associated; minus strand). Cytogenetic location: 17q21.31.
Variant type: single nucleotide variant.
Coding change: c.1751C>T on transcript NM_007294.4 (MANE Select); coding-DNA position 1751, C replaced by T.
Protein change: p.Ala584Val; replaces alanine 584 with valine.
Molecular consequence: missense variant. On other transcripts: intron variant (137).
Genome position (GRCh38, 1-based): chr17:43,093,780, G>A on the plus strand (C>T on the coding strand, the complement: BRCA1 is on the minus strand). VCF-style: chr17-43093780-G-A. GRCh37 (hg19) VCF-style: chr17-41245797-G-A.
Other names: c.1538C>T, p.Ala513Val (NM_001407571.1, NM_001407853.1, NM_001407894.1 and 9 more transcripts); c.1751C>T, p.Ala584Val (NM_001407581.1, NM_001407582.1, NM_001407583.1 and 30 more transcripts); c.1748C>T, p.Ala583Val (NM_001407587.1, NM_001407590.1, NM_001407591.1 and 22 more transcripts); c.1742C>T, p.Ala581Val (NM_001407646.1, NM_001407647.1); c.1628C>T, p.Ala543Val (NM_001407648.1, NM_001407664.1, NM_001407665.1 and 19 more transcripts); c.1625C>T, p.Ala542Val (NM_001407649.1, NM_001407670.1, NM_001407671.1 and 11 more transcripts); c.1673C>T, p.Ala558Val (NM_001407653.1, NM_001407654.1, NM_001407655.1 and 4 more transcripts); c.1670C>T, p.Ala557Val (NM_001407659.1, NM_001407660.1, NM_001407661.1 and 1 more transcripts); and 40 more; short protein forms A537V, A584V, A473V, A514V, A536V, A542V, A543V, A557V.
Identifiers: ClinVar variation 1047709 (VCV001047709.20), dbSNP rs2053890440, ClinGen allele CA10598526.

ClinVar aggregate classification (germline): Conflicting classifications of pathogenicity. Review status: criteria provided, conflicting classifications (1 of 4 stars). 2 submissions from 2 submitters: Uncertain significance (1); Likely benign (1). Last evaluated 2023-03-23.

Conditions:
Hereditary cancer-predisposing syndrome. Also called: Hereditary Cancer Syndrome; Tumor predisposition; Hereditary neoplastic syndrome; Neoplastic Syndromes, Hereditary. Identifiers: Orphanet 140162, MedGen C0027672, MeSH D009386, MONDO:0015356.
Hereditary breast ovarian cancer syndrome. Also called: Hereditary breast and/or ovarian cancer syndrome; Hereditary breast and ovarian cancer syndrome; Hereditary breast and ovarian cancer syndrome (HBOC); Breast and ovarian cancer; Hereditary breast and ovarian cancer; BRCA1- and BRCA2-Associated Hereditary Breast and Ovarian Cancer. Identifiers: Orphanet 145, MedGen C0677776, MeSH D061325, MONDO:0003582. Disease mechanism: loss of function.

Submissions (2):

University of Washington Department of Laboratory Medicine, University of Washington
Classification: Likely benign for Hereditary cancer-predisposing syndrome. Last evaluated: 2023-03-23. Review status: criteria provided, single submitter. Criteria: Dines et al. (Genet Med. 2020). Collection method: curation. Allele origin: germline.
Comment: Missense variant in a coldspot region where missense variants are very unlikely to be pathogenic (PMID:31911673).

BRCA1 coldspot (exon 11 using historical exon numbering). Reclassification based on statistical prior probability

Labcorp Genetics (formerly Invitae), Labcorp
Classification: Uncertain significance for Hereditary breast ovarian cancer syndrome. Last evaluated: 2020-02-26. Review status: criteria provided, single submitter. Criteria: Invitae Variant Classification Sherloc (09022015). Collection method: clinical testing. Allele origin: germline.
Comment: This sequence change replaces alanine with valine at codon 584 of the BRCA1 protein (p.Ala584Val). The alanine residue is moderately conserved and there is a small physicochemical difference between alanine and valine. This variant is not present in population databases (ExAC no frequency). This variant has not been reported in the literature in individuals with BRCA1-related conditions. Algorithms developed to predict the effect of missense changes on protein structure and function are either unavailable or do not agree on the potential impact of this missense change (SIFT: "Tolerated"; PolyPhen-2: "Possibly Damaging"; Align-GVGD: "Class C0"). In summary, the available evidence is currently insufficient to determine the role of this variant in disease. Therefore, it has been classified as a Variant of Uncertain Significance.